The following is an entry in ClinVar:

NM_152393.4(KLHL40):c.1710G>A (p.Thr570=)

Gene: KLHL40 (kelch like family member 40; plus strand). Cytogenetic location: 3p22.1.
Variant type: single nucleotide variant.
Coding change: c.1710G>A on transcript NM_152393.4 (MANE Select); coding-DNA position 1710, G replaced by A.
Protein change: p.Thr570=; no amino-acid change (threonine 570 retained).
Molecular consequence: synonymous variant.
Genome position (GRCh38, 1-based): chr3:42,690,961, G>A. VCF-style: chr3-42690961-G-A. GRCh37 (hg19) VCF-style: chr3-42732453-G-A.
Other names: c.1710G>A (NM_152393.3).
Identifiers: ClinVar variation 1084159 (VCV001084159.9), dbSNP rs151268251, ClinGen allele CA2337055.

ClinVar aggregate classification (germline): Likely benign. Review status: criteria provided, single submitter (1 of 4 stars). 2 submissions from 2 submitters: Likely benign (1). 1 of the submissions does not count toward it. Last evaluated 2022-08-15.

Conditions:
KLHL40-related disorder. Also called: KLHL40-related condition.
Nemaline myopathy 8 (NEM8). Also called: Nemaline myopathy 8, autosomal recessive. Identifiers: Orphanet 171430, MedGen C3809209, MONDO:0014138, OMIM 615348.

Allele frequency attached by ClinVar (database versions not stated): gnomAD exomes 0.00001 and 0.00002; ExAC 0.00004; gnomAD 0.00005; TOPMed 0.00006; ESP Exome Variant Server 0.00008.
gnomAD v4.1: 20 of 1,613,478 alleles (0.0012%); highest among the groups gnomAD compares: African/African-American, 0.013%; no homozygotes.

Submissions (2):

Labcorp Genetics (formerly Invitae), Labcorp
Classification: Likely benign for Nemaline myopathy 8. Last evaluated: 2022-08-15. Review status: criteria provided, single submitter. Criteria: Invitae Variant Classification Sherloc (09022015). Collection method: clinical testing. Allele origin: germline.

PreventionGenetics, part of Exact Sciences
Classification: Likely benign for KLHL40-related condition. Last evaluated: 2023-08-11. Review status: no assertion criteria provided. Collection method: clinical testing. Allele origin: germline. Not counted in ClinVar's aggregate classification.
Comment: This variant is classified as likely benign based on ACMG/AMP sequence variant interpretation guidelines (Richards et al. 2015 PMID: 25741868, with internal and published modifications).